The following is an entry in ClinVar:

ClinVar aggregate classification (germline): Uncertain significance (1 of 4 stars; one submission).

Allele frequency attached by ClinVar (database versions not stated): gnomAD exomes below 0.00001; TOPMed below 0.00001; gnomAD 0.00001.

Submission:

Women's Health and Genetics/Laboratory Corporation of America, LabCorp
Classification: Uncertain significance. Last evaluated: 2022-11-21. Review status: criteria provided, single submitter. Criteria: LabCorp Variant Classification Summary - May 2015. Collection method: clinical testing. Allele origin: germline.
Comment: Variant summary: ZNF292 c.2723C>T (p.Ser908Phe) results in a non-conservative amino acid change in the encoded protein sequence. Three of five in-silico tools predict a benign effect of the variant on protein function. The variant was absent in 245804 control chromosomes (gnomAD). The available data on variant occurrences in the general population are insufficient to allow any conclusion about variant significance. To our knowledge, no occurrence of c.2723C>T in individuals affected with Autosomal Dominant Intellectual Developmental Disorder and no experimental evidence demonstrating its impact on protein function have been reported. No clinical diagnostic laboratories have submitted clinical-significance assessments for this variant to ClinVar after 2014. Based on the evidence outlined above, the variant was classified as uncertain significance.

NM_015021.3(ZNF292):c.2723C>T (p.Ser908Phe)

Gene: ZNF292 (zinc finger protein 292; plus strand). Cytogenetic location: 6q14.3.
Variant type: single nucleotide variant.
Coding change: c.2723C>T on transcript NM_015021.3 (MANE Select); coding-DNA position 2723, C replaced by T.
Protein change: p.Ser908Phe; replaces serine 908 with phenylalanine.
Molecular consequence: missense variant.
Genome position (GRCh38, 1-based): chr6:87,256,352, C>T. VCF-style: chr6-87256352-C-T. GRCh37 (hg19) VCF-style: chr6-87966070-C-T.
Other names: c.2303C>T, p.Ser768Phe (NM_001351444.2); short protein forms S768F, S908F.
Identifiers: ClinVar variation 1804801 (VCV001804801.1), dbSNP rs1269690704, ClinGen allele CA364915498.